The following is an entry in ClinVar:

ClinVar aggregate classification (germline): Conflicting classifications of pathogenicity. Review status: criteria provided, conflicting classifications (1 of 4 stars). 2 submissions from 2 submitters: Likely pathogenic (1); Uncertain significance (1). Last evaluated 2019-04-03.

Conditions:
Tatton-Brown-Rahman overgrowth syndrome. Also called: Tall stature-intellectual disability-facial dysmorphism syndrome; Tatton-Brown-Rahman syndrome. Identifiers: Orphanet 404443, MedGen C4014545, MONDO:0014382, OMIM 615879.

Submissions (2):

Labcorp Genetics (formerly Invitae), Labcorp
Classification: Uncertain significance for Tatton-Brown-Rahman overgrowth syndrome. Last evaluated: 2019-04-03. Review status: criteria provided, single submitter. Criteria: Invitae Variant Classification Sherloc (09022015). Collection method: clinical testing. Allele origin: germline.
Comment: In summary, the available evidence is currently insufficient to determine the role of this variant in disease. Therefore, it has been classified as a Variant of Uncertain Significance. Algorithms developed to predict the effect of missense changes on protein structure and function are either unavailable or do not agree on the potential impact of this missense change (SIFT: "Deleterious"; PolyPhen-2: "Probably Damaging"; Align-GVGD: "Class C0"). This variant has been observed in an individual with clinical features of Tatton-Brown-Rahman syndrome (PMID: 29900417). ClinVar contains an entry for this variant (Variation ID: 379924). This variant is not present in population databases (ExAC no frequency). This sequence change replaces cysteine with arginine at codon 562 of the DNMT3A protein (p.Cys562Arg). The cysteine residue is highly conserved and there is a large physicochemical difference between cysteine and arginine.

GeneDx
Classification: Likely pathogenic. Last evaluated: 2016-10-05. Review status: criteria provided, single submitter. Criteria: GeneDx Variant Classification (06012015). Collection method: clinical testing. Allele origin: germline. Affected: yes.
Comment: The C562R variant in the DNMT3A gene has not been published as a pathogenic variant, nor has it been reported as a benign variant to our knowledge. The C562R variant was not observed in approximately 6,500 individuals of European and African American ancestry in the NHLBI Exome Sequencing Project, indicating it is not a common benign variant in these populations. The C562R variant is a non-conservative amino acid substitution, which is likely to impact secondary protein structure as these residues differ in polarity, charge, size and/or other properties. This substitution occurs at a position that is conserved across species, and in silico analysis predicts this variant is probably damaging to the protein structure/function. We interpret C562R as likely pathogenic variant.

Literature cited by the submitters: PubMed 29900417 (cited by Labcorp Genetics (formerly Invitae), Labcorp).

NM_022552.5(DNMT3A):c.1684T>C (p.Cys562Arg)

Gene: DNMT3A (DNA methyltransferase 3 alpha; minus strand). Cytogenetic location: 2p23.3.
Variant type: single nucleotide variant.
Coding change: c.1684T>C on transcript NM_022552.5 (MANE Select); coding-DNA position 1684, T replaced by C.
Protein change: p.Cys562Arg; replaces cysteine 562 with arginine.
Molecular consequence: missense variant. On other transcripts: non-coding transcript variant (1).
Genome position (GRCh38, 1-based): chr2:25,244,322, A>G on the plus strand (T>C on the coding strand, the complement: DNMT3A is on the minus strand). VCF-style: chr2-25244322-A-G. GRCh37 (hg19) VCF-style: chr2-25467191-A-G.
Other names: c.1684T>C, p.Cys562Arg (NM_175629.2); c.1228T>C, p.Cys410Arg (NM_001320893.1); c.1015T>C, p.Cys339Arg (NM_001375819.1); c.1117T>C, p.Cys373Arg (NM_153759.3); short protein forms C373R, C562R, C410R, C339R.
Identifiers: ClinVar variation 379924 (VCV000379924.12), dbSNP rs1057520788, ClinGen allele CA16604098.
Genomic context (GRCh38, chr2:25,244,322, plus strand): 5'-TCCAGGGGTCTTCCTTAATGGCTGCCTGGGCAGCCCCCGGCCCCACCAAGAGGTCCACAC[A>G]CTCCACGCAAAAGCACCTGGAAGGAGACCCAGTGAGCAGAGGAGACTCTCAGCCCTGGTC-3'
Protein context (NP_072046.2, residues 552-572): NNCCRCFCVE[Cys562Arg]VDLLVGPGAA